The following is an entry in ClinVar:

NM_000255.4(MMUT):c.2194dup (p.Ala732fs)

Gene: MMUT (methylmalonyl-CoA mutase; minus strand). Cytogenetic location: 6p12.3.
Variant type: Duplication.
Coding change: c.2194dup on transcript NM_000255.4 (MANE Select); coding-DNA position 2194, one base duplicated (G; older notation c.2194dupG).
Protein change: p.Ala732fs; shifts the reading frame from alanine 732.
Molecular consequence: frameshift variant.
Genome position (GRCh38, 1-based): chr6:49,431,787, C duplicated on the plus strand (G on the coding strand, the reverse complement: MMUT is on the minus strand). VCF-style (leftmost placement, unchanged base first): chr6-49431786-G-GC. GRCh37 (hg19) VCF-style: chr6-49399499-G-GC.
Other names: short protein forms A732fs.
Identifiers: ClinVar variation 1073042 (VCV001073042.9), dbSNP rs2127412070, ClinGen allele CA2499218324.

ClinVar aggregate classification (germline): Pathogenic (1 of 4 stars; one submission).

Submission:

Labcorp Genetics (formerly Invitae), Labcorp
Classification: Pathogenic. Last evaluated: 2024-06-26. Review status: criteria provided, single submitter. Criteria: Invitae Variant Classification Sherloc (09022015). Collection method: clinical testing. Allele origin: germline.
Comment: This sequence change creates a premature translational stop signal (p.Ala732Glyfs*6) in the MUT gene. While this is not anticipated to result in nonsense mediated decay, it is expected to disrupt the last 19 amino acid(s) of the MUT protein. This variant is not present in population databases (gnomAD no frequency). This variant has not been reported in the literature in individuals affected with MUT-related conditions. ClinVar contains an entry for this variant (Variation ID: 1073042). This variant disrupts a region of the MUT protein in which other variant(s) (p.Gln734*) have been determined to be pathogenic (PMID: 26318470, 27167370). This suggests that this is a clinically significant region of the protein, and that variants that disrupt it are likely to be disease-causing. For these reasons, this variant has been classified as Pathogenic.

Literature cited by the submitters: PubMed 26318470; PubMed 27167370.